The following is an entry in ClinVar:

ClinVar aggregate classification (germline): Uncertain significance. Review status: criteria provided, multiple submitters, no conflicts (2 of 4 stars). 2 submissions from 2 submitters: Uncertain significance (2). Last evaluated 2021-09-01.

Conditions:
Hereditary antithrombin deficiency (AT3D). Also called: Reduced antithrombin III activity; Antithrombin deficiency; Antithrombin III deficiency; Thrombophilia due to antithrombin III deficiency. Identifiers: Orphanet 82, MedGen C0272375, MONDO:0013144, OMIM 613118, HP:0001976.

Allele frequency attached by ClinVar (database versions not stated): TOPMed below 0.00001; ExAC 0.00003; gnomAD 0.00003 and 0.00004; gnomAD exomes 0.00003.
gnomAD v4.1: 54 of 1,614,018 alleles (0.0033%); highest among the groups gnomAD compares: Admixed American, 0.013%; no homozygotes.

Submissions (2):

Fulgent Genetics
Classification: Uncertain significance for Hereditary antithrombin deficiency. Last evaluated: 2021-09-01. Review status: criteria provided, single submitter. Criteria: ACMG Guidelines, 2015. Collection method: clinical testing. Allele origin: unknown.

GeneDx
Classification: Uncertain significance. Last evaluated: 2017-06-23. Review status: criteria provided, single submitter. Criteria: GeneDx Variant Classification (06012015). Collection method: clinical testing. Allele origin: germline. Affected: yes.
Comment: The G199R variant in the SERPINC1 gene has not been reported previously as a pathogenic variant, nor as a benign variant, to our knowledge. The G199R variant is observed in 2/11578 (0.02%) alleles from individuals of Latino background, in the ExAC dataset (Lek et al., 2016). The G199R variant is a non-conservative amino acid substitution, which is likely to impact secondary protein structure as these residues differ in polarity, charge, size and/or other properties. This substitution occurs at a position that is conserved across species. In silico analysis predicts this variant is probably damaging to the protein structure/function. We interpret G199R as a variant of uncertain significance.

NM_000488.4(SERPINC1):c.595G>A (p.Gly199Arg)

Gene: SERPINC1 (serpin family C member 1; minus strand). Cytogenetic location: 1q25.1.
Variant type: single nucleotide variant.
Coding change: c.595G>A on transcript NM_000488.4 (MANE Select); coding-DNA position 595, G replaced by A.
Protein change: p.Gly199Arg; replaces glycine 199 with arginine.
Molecular consequence: missense variant. On other transcripts: intron variant (1).
Genome position (GRCh38, 1-based): chr1:173,911,828, C>T on the plus strand (G>A on the coding strand, the complement: SERPINC1 is on the minus strand). VCF-style: chr1-173911828-C-T. GRCh37 (hg19) VCF-style: chr1-173880966-C-T.
Other names: c.451G>A, p.Gly151Arg (NM_001365052.2); c.595G>A, p.Gly199Arg (NM_001386302.1, NM_001386304.1, NM_001386305.1); c.676G>A, p.Gly226Arg (NM_001386303.1); c.409-937G>A (NM_001386306.1); short protein forms G199R, G151R, G226R.
Identifiers: ClinVar variation 432933 (VCV000432933.3), dbSNP rs778341415, ClinGen allele CA1251396.